The following is an entry in ClinVar:

NM_002485.5(NBN):c.209A>G (p.Asp70Gly)

Gene: NBN (nibrin; minus strand). Cytogenetic location: 8q21.3.
Variant type: single nucleotide variant.
Coding change: c.209A>G on transcript NM_002485.5 (MANE Select); coding-DNA position 209, A replaced by G.
Protein change: p.Asp70Gly; replaces aspartic acid 70 with glycine.
Molecular consequence: missense variant. On other transcripts: 5 prime UTR variant (1).
Genome position (GRCh38, 1-based): chr8:89,981,486, T>C on the plus strand (A>G on the coding strand, the complement: NBN is on the minus strand). VCF-style: chr8-89981486-T-C. GRCh37 (hg19) VCF-style: chr8-90993714-T-C.
Other names: c.-38A>G (NM_001024688.3); short protein forms D70G.
Identifiers: ClinVar variation 647651 (VCV000647651.16), dbSNP rs1586108952, ClinGen allele CA371662567.

ClinVar aggregate classification (germline): Uncertain significance. Review status: criteria provided, multiple submitters, no conflicts (2 of 4 stars). 3 submissions from 3 submitters: Uncertain significance (2). 1 of the submissions does not count toward it. Last evaluated 2025-10-17.

Conditions:
Hereditary cancer-predisposing syndrome. Also called: Hereditary Cancer Syndrome; Tumor predisposition; Neoplastic Syndromes, Hereditary; Hereditary neoplastic syndrome. Identifiers: Orphanet 140162, MedGen C0027672, MeSH D009386, MONDO:0015356.
Microcephaly, normal intelligence and immunodeficiency (NBS). Also called: BERLIN BREAKAGE SYNDROME; Nijmegen breakage syndrome; Microcephaly with normal intelligence immunodeficiency and lymphoreticular malignancies; Nonsyndromal microcephaly autosomal recessive with normal intelligence; Seemanova syndrome 2; SEEMANOVA SYNDROME II. Identifiers: Orphanet 647, MedGen C0398791, MONDO:0009623, OMIM 251260.

Allele frequency attached by ClinVar (database versions not stated): gnomAD exomes below 0.00001.

Submissions (3):

Ambry Genetics
Classification: Uncertain significance for Hereditary cancer-predisposing syndrome. Last evaluated: 2025-10-17. Review status: criteria provided, single submitter. Criteria: Ambry Variant Classification Scheme 2023. Collection method: clinical testing. Allele origin: germline.
Comment: The p.D70G variant (also known as c.209A>G), located in coding exon 3 of the NBN gene, results from an A to G substitution at nucleotide position 209. The aspartic acid at codon 70 is replaced by glycine, an amino acid with similar properties. This amino acid position is highly conserved in available vertebrate species. In addition, this alteration is predicted to be deleterious by in silico analysis. Since supporting evidence is limited at this time, the clinical significance of this alteration remains unclear.

Labcorp Genetics (formerly Invitae), Labcorp
Classification: Uncertain significance for Microcephaly, normal intelligence and immunodeficiency. Last evaluated: 2023-12-19. Review status: criteria provided, single submitter. Criteria: Invitae Variant Classification Sherloc (09022015). Collection method: clinical testing. Allele origin: germline.
Comment: This sequence change replaces aspartic acid, which is acidic and polar, with glycine, which is neutral and non-polar, at codon 70 of the NBN protein (p.Asp70Gly). This variant is not present in population databases (gnomAD no frequency). This variant has not been reported in the literature in individuals affected with NBN-related conditions. ClinVar contains an entry for this variant (Variation ID: 647651). An algorithm developed to predict the effect of missense changes on protein structure and function (PolyPhen-2) suggests that this variant is likely to be disruptive. In summary, the available evidence is currently insufficient to determine the role of this variant in disease. Therefore, it has been classified as a Variant of Uncertain Significance.

Natera, Inc.
Classification: Uncertain significance for Nijmegen breakage syndrome. Last evaluated: 2021-03-01. Review status: no assertion criteria provided. Collection method: clinical testing. Allele origin: germline. Not counted in ClinVar's aggregate classification.